The following is an entry in ClinVar:

NM_017999.5(RNF31):c.192+5G>A

Gene: RNF31 (ring finger protein 31; plus strand). Cytogenetic location: 14q12.
Variant type: single nucleotide variant.
Coding change: c.192+5G>A on transcript NM_017999.5 (MANE Select); 5 bases into the intron after coding-DNA position 192, G replaced by A.
Molecular consequence: intron variant.
Genome position (GRCh38, 1-based): chr14:24,147,895, G>A. VCF-style: chr14-24147895-G-A. GRCh37 (hg19) VCF-style: chr14-24617104-G-A.
Other names: c.-325-81G>A (NM_001310332.2).
Identifiers: ClinVar variation 2081849 (VCV002081849.4), dbSNP rs2038195080, ClinGen allele CA2580087928.

ClinVar aggregate classification (germline): Uncertain significance (1 of 4 stars; one submission).

Submission:

Labcorp Genetics (formerly Invitae), Labcorp
Classification: Uncertain significance. Last evaluated: 2022-01-13. Review status: criteria provided, single submitter. Criteria: Invitae Variant Classification Sherloc (09022015). Collection method: clinical testing. Allele origin: germline.
Comment: Variants that disrupt the consensus splice site are a relatively common cause of aberrant splicing (PMID: 17576681, 9536098). Algorithms developed to predict the effect of sequence changes on RNA splicing suggest that this variant may disrupt the consensus splice site. This variant has not been reported in the literature in individuals affected with RNF31-related conditions. This variant is not present in population databases (gnomAD no frequency). This sequence change falls in intron 1 of the RNF31 gene. It does not directly change the encoded amino acid sequence of the RNF31 protein. It affects a nucleotide within the consensus splice site. In summary, the available evidence is currently insufficient to determine the role of this variant in disease. Therefore, it has been classified as a Variant of Uncertain Significance.

Literature cited by the submitters: PubMed 17576681; PubMed 9536098.